The following is an entry in ClinVar:

NM_001394062.1(MACF1):c.13960C>G (p.Gln4654Glu)

Gene: MACF1 (microtubule actin crosslinking factor 1; plus strand). Cytogenetic location: 1p34.3.
Variant type: single nucleotide variant.
Coding change: c.13960C>G on transcript NM_001394062.1 (MANE Select); coding-DNA position 13960, C replaced by G.
Protein change: p.Gln4654Glu; replaces glutamine 4654 with glutamic acid.
Molecular consequence: missense variant.
Genome position (GRCh38, 1-based): chr1:39,385,545, C>G. VCF-style: chr1-39385545-C-G. GRCh37 (hg19) VCF-style: chr1-39851217-C-G.
Other names: c.7774C>G, p.Gln2592Glu (NM_012090.5); short protein forms Q4654E, Q2592E.
Identifiers: ClinVar variation 2870842 (VCV002870842.3), dbSNP rs372108361, ClinGen allele CA20940776.
Genomic context (GRCh38, chr1:39,385,545, plus strand): 5'-GAGGCAGCTCAGGGCATCCTAACAGGCCCTGGAGATGTCTCTCTGTCCACCAGCCAAGTA[C>G]AGAAAGAACTCCAGAGCATCAATCAGAAATGGGTTGAGCTGACTGACAAACTCAACTCCC-3'
Protein context (NP_001380991.1, residues 4644-4664): GDVSLSTSQV[Gln4654Glu]KELQSINQKW

ClinVar aggregate classification (germline): Uncertain significance (1 of 4 stars; one submission).

Allele frequency attached by ClinVar (database versions not stated): gnomAD exomes 0.00001; TOPMed 0.00002; ESP Exome Variant Server 0.00008.
gnomAD v4.1: 12 of 1,614,168 alleles (0.00074%); highest among the groups gnomAD compares: Non-Finnish European, 0.00093%; no homozygotes.

Submission:

Labcorp Genetics (formerly Invitae), Labcorp
Classification: Uncertain significance. Last evaluated: 2023-01-13. Review status: criteria provided, single submitter. Criteria: Invitae Variant Classification Sherloc (09022015). Collection method: clinical testing. Allele origin: germline.
Comment: This sequence change replaces glutamine, which is neutral and polar, with glutamic acid, which is acidic and polar, at codon 2592 of the MACF1 protein (p.Gln2592Glu). This variant is present in population databases (rs372108361, gnomAD 0.002%). This variant has not been reported in the literature in individuals affected with MACF1-related conditions. Algorithms developed to predict the effect of missense changes on protein structure and function (SIFT, PolyPhen-2, Align-GVGD) all suggest that this variant is likely to be tolerated. In summary, the available evidence is currently insufficient to determine the role of this variant in disease. Therefore, it has been classified as a Variant of Uncertain Significance.